The following is an entry in ClinVar:

ClinVar aggregate classification (germline): Conflicting classifications of pathogenicity. Review status: criteria provided, conflicting classifications (1 of 4 stars). 2 submissions from 2 submitters: Uncertain significance (1); Likely benign (1). Last evaluated 2025-12-28.

Conditions:
Larsen-like syndrome, B3GAT3 type. Also called: MULTIPLE JOINT DISLOCATIONS, SHORT STATURE, AND CRANIOFACIAL DYSMORPHISM WITH OR WITHOUT CONGENITAL HEART DEFECTS; Multiple joint dislocations, short stature, craniofacial dysmorphism, with or without congenital heart defects. Identifiers: Orphanet 284139, MedGen CN034159, MONDO:0009511, OMIM 245600.

Allele frequency attached by ClinVar (database versions not stated): gnomAD exomes 0.00007; ExAC 0.00008; TOPMed 0.00008; gnomAD 0.00009; 1000 Genomes Project 0.00060; 1000 Genomes Project 30x 0.00062.

Submissions (2):

Labcorp Genetics (formerly Invitae), Labcorp
Classification: Likely benign for Larsen-like syndrome, B3GAT3 type. Last evaluated: 2025-12-28. Review status: criteria provided, single submitter. Criteria: Invitae Variant Classification Sherloc (09022015). Collection method: clinical testing. Allele origin: germline.

GeneDx
Classification: Uncertain significance. Last evaluated: 2025-06-25. Review status: criteria provided, single submitter. Criteria: GeneDx Variant Classification Process June 2021. Collection method: clinical testing. Allele origin: germline. Affected: yes.
Comment: In silico analysis supports that this variant does not alter splicing; Has not been previously published as pathogenic or benign to our knowledge

NM_012200.4(B3GAT3):c.277C>T (p.Leu93=)

Gene: B3GAT3 (beta-1,3-glucuronyltransferase 3; minus strand). Cytogenetic location: 11q12.3.
Variant type: single nucleotide variant.
Coding change: c.277C>T on transcript NM_012200.4 (MANE Select); coding-DNA position 277, C replaced by T.
Protein change: p.Leu93=; no amino-acid change (leucine 93 retained).
Molecular consequence: synonymous variant. On other transcripts: non-coding transcript variant (1).
Genome position (GRCh38, 1-based): chr11:62,617,328, G>A on the plus strand (C>T on the coding strand, the complement: B3GAT3 is on the minus strand). VCF-style: chr11-62617328-G-A. GRCh37 (hg19) VCF-style: chr11-62384800-G-A.
Other names: c.256C>T, p.Leu86= (NM_001288721.2); c.277C>T, p.Leu93= (NM_001288722.2, NM_001288723.2).
Identifiers: ClinVar variation 734503 (VCV000734503.12), dbSNP rs201779956, ClinGen allele CA6050149.